The following is an entry in ClinVar:

ClinVar aggregate classification (germline): Benign. Review status: criteria provided, multiple submitters, no conflicts (2 of 4 stars). 3 submissions from 3 submitters: Benign (2). 1 of the submissions does not count toward it. Last evaluated 2019-12-31.

Conditions:
PTPRS-related disorder. Also called: PTPRS-related condition.

Allele frequency attached by ClinVar (database versions not stated): gnomAD 0.02180; TOPMed 0.02248; 1000 Genomes Project 30x 0.02295; gnomAD exomes 0.00481; ExAC 0.00768; ESP Exome Variant Server 0.02145; 1000 Genomes Project 0.02177.
gnomAD v4.1: 6,014 of 1,580,592 alleles (0.38%); highest among the groups gnomAD compares: African/African-American, 7.1%; 192 homozygotes.

Submissions (3):

Labcorp Genetics (formerly Invitae), Labcorp
Classification: Benign. Last evaluated: 2019-12-31. Review status: criteria provided, single submitter. Criteria: Invitae Variant Classification Sherloc (09022015). Collection method: clinical testing. Allele origin: germline.

Breakthrough Genomics
Classification: Benign. Review status: criteria provided, single submitter. Criteria: ACMG Guidelines, 2015. Collection method: not provided. Allele origin: germline. Inheritance: Unknown mechanism. Affected: yes.

PreventionGenetics, part of Exact Sciences
Classification: Benign for PTPRS-related condition. Last evaluated: 2019-03-26. Review status: no assertion criteria provided. Collection method: clinical testing. Allele origin: germline. Not counted in ClinVar's aggregate classification.
Comment: This variant is classified as benign based on ACMG/AMP sequence variant interpretation guidelines (Richards et al. 2015 PMID: 25741868, with internal and published modifications).

NM_002850.4(PTPRS):c.2916C>T (p.Ala972=)

Gene: PTPRS (protein tyrosine phosphatase receptor type S; minus strand). Cytogenetic location: 19p13.3.
Variant type: single nucleotide variant.
Coding change: c.2916C>T on transcript NM_002850.4 (MANE Select); coding-DNA position 2916, C replaced by T.
Protein change: p.Ala972=; no amino-acid change (alanine 972 retained).
Molecular consequence: synonymous variant. On other transcripts: intron variant (2).
Genome position (GRCh38, 1-based): chr19:5,222,876, G>A on the plus strand (C>T on the coding strand, the complement: PTPRS is on the minus strand). VCF-style: chr19-5222876-G-A. GRCh37 (hg19) VCF-style: chr19-5222887-G-A.
Other names: c.2850C>T, p.Ala950= (NM_130854.3); c.1811-656C>T (NM_130853.3); c.1823-656C>T (NM_130855.3).
Identifiers: ClinVar variation 782619 (VCV000782619.7), dbSNP rs77694034, ClinGen allele CA9109811.
Genomic context (GRCh38, chr19:5,222,876, plus strand): 5'-CTCCGCGCCCGGCTCAGCCGCTGCCGGCAGCTCAGTCTCTCGGGCAGGGCCCAGGGCACC[G>A]GCCTCCCGCACGGCCACCGTGTATTTGACGATGGCCCCGTTGCGCTCGGCGGGCACGGGT-3'
Protein context (NP_002841.3, residues 962-982): IVKYTVAVRE[Ala972=]GALGPARETE